The following is an entry in ClinVar:

NM_005491.5(MAMLD1):c.1747T>A (p.Ser583Thr)

Gene: MAMLD1 (mastermind like domain containing 1; plus strand). Cytogenetic location: Xq28.
Variant type: single nucleotide variant.
Coding change: c.1747T>A on transcript NM_005491.5 (MANE Select); coding-DNA position 1747, T replaced by A.
Protein change: p.Ser583Thr; replaces serine 583 with threonine.
Molecular consequence: missense variant.
Genome position (GRCh38, 1-based): chrX:150,471,320, T>A. VCF-style: chrX-150471320-T-A. GRCh37 (hg19) VCF-style: chrX-149639592-T-A.
Other names: c.1672T>A, p.Ser558Thr (NM_001177465.3, NM_001177466.3, NM_001400514.1); c.1747T>A, p.Ser583Thr (NM_001400512.1, NM_001400513.1, NM_001400515.1); short protein forms S558T, S583T.
Identifiers: ClinVar variation 4624200 (VCV004624200.1).

ClinVar aggregate classification (germline): Uncertain significance (1 of 4 stars; one submission).

Conditions:
Inborn genetic diseases. Identifiers: MedGen C0950123, MeSH D030342.

gnomAD v4.1: 2 of 1,210,233 alleles (0.00017%); highest among the groups gnomAD compares: East Asian, 0.003%; no homozygotes.

Submission:

Ambry Genetics
Classification: Uncertain significance for Inborn genetic diseases. Last evaluated: 2025-09-27. Review status: criteria provided, single submitter. Criteria: Ambry Variant Classification Scheme 2023. Collection method: clinical testing. Allele origin: germline.
Comment: The c.1747T>A (p.S583T) alteration is located in exon 3 (coding exon 3) of the MAMLD1 gene. This alteration results from a T to A substitution at nucleotide position 1747, causing the serine (S) at amino acid position 583 to be replaced by a threonine (T). Based on data from gnomAD, the A allele has an overall frequency of 0.001% (2/182477) total alleles studied. The highest observed frequency was 0.014% (2/13855) of East Asian alleles. Based on insufficient or conflicting evidence, the clinical significance of this alteration remains unclear.